The following is an entry in ClinVar:

ClinVar aggregate classification (germline): Uncertain significance. Review status: criteria provided, multiple submitters, no conflicts (2 of 4 stars). 3 submissions from 3 submitters: Uncertain significance (3). Last evaluated 2022-08-03.

Conditions:
Autosomal dominant limb-girdle muscular dystrophy type 1F (LGMDD2). Also called: Limb-girdle muscular dystrophy, type 1F; MUSCULAR DYSTROPHY, LIMB-GIRDLE, AUTOSOMAL DOMINANT 2. Identifiers: Orphanet 55595, MedGen C1842062, MONDO:0012034, OMIM 608423.

Allele frequency attached by ClinVar (database versions not stated): gnomAD 0.00002 and 0.00003; TOPMed 0.00003.
gnomAD v4.1: 45 of 1,614,086 alleles (0.0028%); highest among the groups gnomAD compares: Non-Finnish European, 0.0033%; no homozygotes.

Submissions (3):

Labcorp Genetics (formerly Invitae), Labcorp
Classification: Uncertain significance for Autosomal dominant limb-girdle muscular dystrophy type 1F. Last evaluated: 2022-08-03. Review status: criteria provided, single submitter. Criteria: Invitae Variant Classification Sherloc (09022015). Collection method: clinical testing. Allele origin: germline.
Comment: Algorithms developed to predict the effect of missense changes on protein structure and function (SIFT, PolyPhen-2, Align-GVGD) all suggest that this variant is likely to be tolerated. In summary, the available evidence is currently insufficient to determine the role of this variant in disease. Therefore, it has been classified as a Variant of Uncertain Significance. ClinVar contains an entry for this variant (Variation ID: 871494). This variant has not been reported in the literature in individuals affected with TNPO3-related conditions. This variant is present in population databases (no rsID available, gnomAD 0.008%). This sequence change replaces isoleucine, which is neutral and non-polar, with leucine, which is neutral and non-polar, at codon 364 of the TNPO3 protein (p.Ile364Leu).

Institute of Human Genetics, Clinical Exome/Genome Diagnostics Group, University Hospital Bonn
Classification: Uncertain significance for Autosomal dominant limb-girdle muscular dystrophy type 1F. Last evaluated: 2022-03-10. Review status: criteria provided, single submitter. Criteria: ACMG Guidelines, 2015. Collection method: clinical testing. Allele origin: germline. Affected: yes.

CeGaT Center for Human Genetics Tuebingen
Classification: Uncertain significance. Last evaluated: 2020-03-01. Review status: criteria provided, single submitter. Criteria: CeGaT Center For Human Genetics Tuebingen Variant Classification Criteria Version 2. Collection method: clinical testing. Allele origin: germline. Affected: yes. Observed: 3 variant alleles.

NM_012470.4(TNPO3):c.1090A>C (p.Ile364Leu)

Gene: TNPO3 (transportin 3; minus strand). Cytogenetic location: 7q32.1.
Variant type: single nucleotide variant.
Coding change: c.1090A>C on transcript NM_012470.4 (MANE Select); coding-DNA position 1090, A replaced by C.
Protein change: p.Ile364Leu; replaces isoleucine 364 with leucine.
Molecular consequence: missense variant. On other transcripts: non-coding transcript variant (17), intron variant (1).
Genome position (GRCh38, 1-based): chr7:128,997,457, T>G on the plus strand (A>C on the coding strand, the complement: TNPO3 is on the minus strand). VCF-style: chr7-128997457-T-G. GRCh37 (hg19) VCF-style: chr7-128637511-T-G.
Other names: c.1090A>C, p.Ile364Leu (NM_001191028.3, NM_001382216.1, NM_001382218.1 and 3 more transcripts); c.1171A>C, p.Ile391Leu (NM_001382217.1); c.946A>C, p.Ile316Leu (NM_001382221.1); c.1011+2972A>C (NM_001382222.1); short protein forms I364L, I316L, I391L.
Identifiers: ClinVar variation 871494 (VCV000871494.47), dbSNP rs983345752, ClinGen allele CA166219640.
Genomic context (GRCh38, chr7:128,997,457, plus strand): 5'-GTTCCAGCTGGCAGTGTCGAGCCAAGGCGTGAAGCAGCCTCTGAATGTAAGCTTTGAAGA[T>G]GCCATGAATAACTTCATCGTTAGTTTTGTACAAATGTTCCCCCAGTCGGTACCAAAAGTT-3'
Protein context (NP_036602.1, residues 354-374): YKTNDEVIHG[Ile364Leu]FKAYIQRLLH